The following is an entry in ClinVar:

NM_181426.2(CCDC39):c.2266-3C>G

Genes: CCDC39 (coiled-coil domain 39 molecular ruler complex subunit; minus strand), TTC14 (tetratricopeptide repeat domain 14; plus strand). Cytogenetic location: 3q26.33.
Variant type: single nucleotide variant.
Coding change: c.2266-3C>G on transcript NM_181426.2 (MANE Select); 3 bases into the intron before coding-DNA position 2266, C replaced by G.
Molecular consequence: intron variant.
Genome position (GRCh38, 1-based): chr3:180,616,969, G>C on the plus strand (C>G on the coding strand, the complement: CCDC39 is on the minus strand). VCF-style: chr3-180616969-G-C. GRCh37 (hg19) VCF-style: chr3-180334757-G-C.
Other names: c.1775-411G>C (NM_001288582.2).
Identifiers: ClinVar variation 1931471 (VCV001931471.2), dbSNP rs2473778217, ClinGen allele CA2580069121.
Genomic context (GRCh38, chr3:180,616,969, plus strand): 5'-ACTTTTCTTTAACATTATTTGCCAAATGTTCTATAACATCTAATGTATTTTCCATGCTCT[G>C]TAGAAAAAATATTAACATGTATTTTTTAGAATCAGAAATTGACTTTTATAACTTGTCATT-3'

ClinVar aggregate classification (germline): Uncertain significance (1 of 4 stars; one submission).

Conditions:
Primary ciliary dyskinesia. Also called: Ciliary dyskinesia. Identifiers: Orphanet 244, MedGen C0008780, MONDO:0016575, HP:0012265.

Submission:

Labcorp Genetics (formerly Invitae), Labcorp
Classification: Uncertain significance for Primary ciliary dyskinesia. Last evaluated: 2022-08-03. Review status: criteria provided, single submitter. Criteria: Invitae Variant Classification Sherloc (09022015). Collection method: clinical testing. Allele origin: germline.
Comment: This sequence change falls in intron 16 of the CCDC39 gene. It does not directly change the encoded amino acid sequence of the CCDC39 protein. It affects a nucleotide within the consensus splice site. This variant is not present in population databases (gnomAD no frequency). This variant has been observed in individual(s) with primary ciliary dyskinesia (Invitae). In at least one individual the data is consistent with being in trans (on the opposite chromosome) from a pathogenic variant. Variants that disrupt the consensus splice site are a relatively common cause of aberrant splicing (PMID: 17576681, 9536098). Algorithms developed to predict the effect of sequence changes on RNA splicing suggest that this variant may disrupt the consensus splice site. In summary, the available evidence is currently insufficient to determine the role of this variant in disease. Therefore, it has been classified as a Variant of Uncertain Significance.

Literature cited by the submitters: PubMed 17576681; PubMed 9536098.